The following is an entry in ClinVar:

NM_015102.5(NPHP4):c.2324G>T (p.Arg775Leu)

Gene: NPHP4 (nephrocystin 4; minus strand). Cytogenetic location: 1p36.31.
Variant type: single nucleotide variant.
Coding change: c.2324G>T on transcript NM_015102.5 (MANE Select); coding-DNA position 2324, G replaced by T.
Protein change: p.Arg775Leu; replaces arginine 775 with leucine.
Molecular consequence: missense variant. On other transcripts: non-coding transcript variant (1).
Genome position (GRCh38, 1-based): chr1:5,887,447, C>A on the plus strand (G>T on the coding strand, the complement: NPHP4 is on the minus strand). VCF-style: chr1-5887447-C-A. GRCh37 (hg19) VCF-style: chr1-5947507-C-A.
Other names: c.785G>T, p.Arg262Leu (NM_001291593.2); c.788G>T, p.Arg263Leu (NM_001291594.2); short protein forms R262L, R775L, R263L.
Identifiers: ClinVar variation 1384768 (VCV001384768.6), dbSNP rs1034438971, ClinGen allele CA338058841.

ClinVar aggregate classification (germline): Uncertain significance (1 of 4 stars; one submission).

Conditions:
Nephronophthisis. Also called: Juvenile Nephronophthisis. Identifiers: Orphanet 655, MedGen C0687120, MONDO:0019005, HP:0000090.

Submission:

Labcorp Genetics (formerly Invitae), Labcorp
Classification: Uncertain significance for Nephronophthisis. Last evaluated: 2021-10-05. Review status: criteria provided, single submitter. Criteria: Invitae Variant Classification Sherloc (09022015). Collection method: clinical testing. Allele origin: germline.
Comment: This sequence change replaces arginine with leucine at codon 775 of the NPHP4 protein (p.Arg775Leu). The arginine residue is highly conserved and there is a moderate physicochemical difference between arginine and leucine. This variant is not present in population databases (ExAC no frequency). This variant has not been reported in the literature in individuals affected with NPHP4-related conditions. Algorithms developed to predict the effect of missense changes on protein structure and function are either unavailable or do not agree on the potential impact of this missense change (SIFT: "Deleterious"; PolyPhen-2: "Probably Damaging"; Align-GVGD: "Class C0"). In summary, the available evidence is currently insufficient to determine the role of this variant in disease. Therefore, it has been classified as a Variant of Uncertain Significance.